The following is an entry in ClinVar:

NM_016284.5(CNOT1):c.362T>G (p.Leu121Ter)

Gene: CNOT1 (CCR4-NOT transcription complex subunit 1; minus strand). Cytogenetic location: 16q21.
Variant type: single nucleotide variant.
Coding change: c.362T>G on transcript NM_016284.5 (MANE Select); coding-DNA position 362, T replaced by G.
Protein change: p.Leu121Ter; replaces leucine 121 with a stop codon.
Molecular consequence: nonsense. On other transcripts: non-coding transcript variant (1).
Genome position (GRCh38, 1-based): chr16:58,587,361, A>C on the plus strand (T>G on the coding strand, the complement: CNOT1 is on the minus strand). VCF-style: chr16-58587361-A-C. GRCh37 (hg19) VCF-style: chr16-58621265-A-C.
Other names: c.362T>G, p.Leu121Ter (NM_001265612.2, NM_206999.3); short protein forms L121*.
Identifiers: ClinVar variation 4850050 (VCV004850050.1).

ClinVar aggregate classification (germline): Likely pathogenic (1 of 4 stars; one submission).

Conditions:
Vissers-Bodmer syndrome. Identifiers: MedGen C5436647, MONDO:0033618, OMIM 619033.

Submission:

Variantyx, Inc.
Classification: Likely pathogenic for Vissers-Bodmer syndrome. Last evaluated: 2025-07-02. Review status: criteria provided, single submitter. Criteria: Variantyx Assertion Criteria 2022. Collection method: clinical testing. Allele origin: germline. Inheritance: Autosomal dominant inheritance. Affected: yes.
Comment: This is a nonsense variant in the CNOT1 gene (OMIM: 604917). Pathogenic variants in this gene have been associated with autosomal dominant Vissers-Bodmer syndrome. This variant introduces a premature termination codon in exon 5 out of 49 and is expected to result in loss of function, which is a known disease mechanism for CNOT1 in this disorder (PMID:32553196) (PVS1). This variant is absent from control populations (PM2). Based on the current evidence, this variant is classified as likely pathogenic for autosomal dominant Vissers-Bodmer syndrome.

Literature cited by the submitters: PubMed 32553196.